The following is an entry in ClinVar:

ClinVar aggregate classification (germline): Uncertain significance (1 of 4 stars; one submission).

gnomAD v4.1: 4 of 1,613,970 alleles (0.00025%); highest among the groups gnomAD compares: Non-Finnish European, 0.00034%; no homozygotes.

Submission:

Labcorp Genetics (formerly Invitae), Labcorp
Classification: Uncertain significance. Last evaluated: 2022-10-25. Review status: criteria provided, single submitter. Criteria: Invitae Variant Classification Sherloc (09022015). Collection method: clinical testing. Allele origin: germline.
Comment: This variant has not been reported in the literature in individuals affected with WDR1-related conditions. This sequence change replaces valine, which is neutral and non-polar, with leucine, which is neutral and non-polar, at codon 536 of the WDR1 protein (p.Val536Leu). This variant is not present in population databases (gnomAD no frequency). Algorithms developed to predict the effect of missense changes on protein structure and function (SIFT, PolyPhen-2, Align-GVGD) all suggest that this variant is likely to be tolerated. In summary, the available evidence is currently insufficient to determine the role of this variant in disease. Therefore, it has been classified as a Variant of Uncertain Significance.

NM_017491.5(WDR1):c.1606G>C (p.Val536Leu)

Gene: WDR1 (WD repeat domain 1; minus strand). Cytogenetic location: 4p16.1.
Variant type: single nucleotide variant.
Coding change: c.1606G>C on transcript NM_017491.5 (MANE Select); coding-DNA position 1606, G replaced by C.
Protein change: p.Val536Leu; replaces valine 536 with leucine.
Molecular consequence: missense variant.
Genome position (GRCh38, 1-based): chr4:10,077,412, C>G on the plus strand (G>C on the coding strand, the complement: WDR1 is on the minus strand). VCF-style: chr4-10077412-C-G. GRCh37 (hg19) VCF-style: chr4-10079036-C-G.
Other names: c.1186G>C, p.Val396Leu (NM_005112.5); short protein forms V536L, V396L.
Identifiers: ClinVar variation 1945903 (VCV001945903.5), dbSNP rs779743811, ClinGen allele CA356354651.
Genomic context (GRCh38, chr4:10,077,412, plus strand): 5'-CCATCATGTCCATGCCACCGGAGGCAAAGTGTTCATTGTCTGGGGACCAGGCCAGGCAGA[C>G]GATTTTTGCATGGTGTCCATAAAAAACATTGTTCTCCTAGTTGCAGGTTGAAAACAAGAG-3'
Protein context (NP_059830.1, residues 526-546): NVFYGHHAKI[Val536Leu]CLAWSPDNEH